The following is an entry in ClinVar:

NM_175914.5(HNF4A):c.298C>T (p.Arg100Trp)

Gene: HNF4A (hepatocyte nuclear factor 4 alpha; plus strand). Cytogenetic location: 20q13.12.
Variant type: single nucleotide variant.
Coding change: c.298C>T on transcript NM_175914.5 (MANE Select); coding-DNA position 298, C replaced by T.
Protein change: p.Arg100Trp; replaces arginine 100 with tryptophan.
Molecular consequence: missense variant.
Genome position (GRCh38, 1-based): chr20:44,407,454, C>T. VCF-style: chr20-44407454-C-T. GRCh37 (hg19) VCF-style: chr20-43036094-C-T.
Other names: c.364C>T, p.Arg122Trp (NM_000457.6, NM_178849.3, NM_178850.3); c.298C>T, p.Arg100Trp (NM_001030003.3, NM_001030004.3); c.343C>T, p.Arg115Trp (NM_001258355.2); c.289C>T, p.Arg97Trp (NM_001287182.2, NM_001287183.2, NM_001287184.2); short protein forms R100W, R115W, R122W, R97W.
Identifiers: ClinVar variation 3355463 (VCV003355463.3).
Genomic context (GRCh38, chr20:44,407,454, plus strand): 5'-TGCGTGGTGGACAAAGACAAGAGGAACCAGTGCCGCTACTGCAGGCTCAAGAAATGCTTC[C>T]GGGCTGGCATGAAGAAGGAAGGTGAGCCTCGGCCCTCCCCGCCCCACCACCACTGCCCCA-3'
Protein context (NP_787110.2, residues 90-110): CRYCRLKKCF[Arg100Trp]AGMKKEAVQN

ClinVar aggregate classification (germline): Uncertain significance. Review status: criteria provided, single submitter (1 of 4 stars). 2 submissions from 2 submitters: Uncertain significance (1). 1 of the submissions does not count toward it. Last evaluated 2024-06-06.

Conditions:
HNF4A-related disorder. Also called: HNF4A-related condition.

gnomAD v4.1: 12 of 1,604,638 alleles (0.00075%); highest among the groups gnomAD compares: Non-Finnish European, 0.001%; no homozygotes.

Submissions (2):

Labcorp Genetics (formerly Invitae), Labcorp
Classification: Uncertain significance. Last evaluated: 2024-06-06. Review status: criteria provided, single submitter. Criteria: Invitae Variant Classification Sherloc (09022015). Collection method: clinical testing. Allele origin: germline.
Comment: This sequence change replaces arginine, which is basic and polar, with tryptophan, which is neutral and slightly polar, at codon 100 of the HNF4A protein (p.Arg100Trp). This variant is not present in population databases (gnomAD no frequency). This variant has not been reported in the literature in individuals affected with HNF4A-related conditions. Advanced modeling of protein sequence and biophysical properties (such as structural, functional, and spatial information, amino acid conservation, physicochemical variation, residue mobility, and thermodynamic stability) has been performed at Invitae for this missense variant, however the output from this modeling did not meet the statistical confidence thresholds required to predict the impact of this variant on HNF4A protein function. In summary, the available evidence is currently insufficient to determine the role of this variant in disease. Therefore, it has been classified as a Variant of Uncertain Significance.

PreventionGenetics, part of Exact Sciences
Classification: Uncertain significance for HNF4A-related condition. Last evaluated: 2024-05-02. Review status: no assertion criteria provided. Collection method: clinical testing. Allele origin: germline. Not counted in ClinVar's aggregate classification.
Comment: The HNF4A c.298C>T variant is predicted to result in the amino acid substitution p.Arg100Trp. This variant has been reported in an individual with MODY (Dron et al. 2020. PubMed ID: 32041611). This variant has not been reported in a large population database, indicating this variant is rare. Although we suspect that this variant may be pathogenic, at this time, the clinical significance of this variant is uncertain due to the absence of conclusive functional and genetic evidence.